The following is an entry in ClinVar:

ClinVar aggregate classification (germline): Likely pathogenic (1 of 4 stars; one submission).

Conditions:
Methylmalonic aciduria and homocystinuria type cblD (MAHCD). Also called: METHYLMALONIC ACIDEMIA, cblH TYPE; Methylmalonic aciduria with homocystinuria cblD type. Identifiers: Orphanet 622, Orphanet 79283, MedGen C1848552, MONDO:0010185, OMIM 277410.

Submission:

Natera, Inc.
Classification: Likely pathogenic for Methylmalonic aciduria with homocystinuria cblD type. Last evaluated: 2026-01-11. Review status: criteria provided, single submitter. Criteria: Natera Variant Classification Schema (03/2026). Collection method: clinical testing. Allele origin: germline.
Comment: The c.494_495del variant in MMADHC is a frameshift variant predicted to shift the reading frame beginning at codon 165 and leads to a stop codon 5 codons downstream. This variant is expected to result in nonsense mediated decay, truncation, or a dysfunctional protein product. This variant is rare in the general population with a frequency below the threshold expected for the associated phenotype(s). Given the available evidence, this variant is classified as Likely Pathogenic.

NM_015702.3(MMADHC):c.494_495del (p.Phe165fs)

Gene: MMADHC (metabolism of cobalamin associated D; minus strand). Cytogenetic location: 2q23.2.
Variant type: Deletion.
Coding change: c.494_495del on transcript NM_015702.3 (MANE Select); coding-DNA positions 494 to 495, 2 bases deleted (TT; older notation c.494_495delTT).
Protein change: p.Phe165fs; shifts the reading frame from phenylalanine 165.
Molecular consequence: frameshift variant.
Genome position (GRCh38, 1-based): chr2:149,575,825-149,575,826, AA deleted on the plus strand (TT on the coding strand, the reverse complement: MMADHC is on the minus strand); deleting any 2 consecutive bases within chr2:149,575,825-149,575,827 gives the same sequence; the c. name uses the placement nearest the transcript's 3' end. VCF-style (leftmost placement, unchanged base first): chr2-149575824-GAA-G. GRCh37 (hg19) VCF-style: chr2-150432338-GAA-G.
Other names: short protein forms F165fs.
Identifiers: ClinVar variation 4815884 (VCV004815884.1).